The following is an entry in ClinVar:

NM_032539.5(SLITRK2):c.1951_1952dup (p.Ser652fs)

Gene: SLITRK2 (SLIT and NTRK like family member 2; plus strand). Cytogenetic location: Xq27.3.
Variant type: Duplication.
Coding change: c.1951_1952dup on transcript NM_032539.5 (MANE Select); coding-DNA positions 1951 to 1952, 2 bases duplicated (CC; older notation c.1951_1952dupCC).
Protein change: p.Ser652fs; shifts the reading frame from serine 652.
Molecular consequence: frameshift variant.
Genome position (GRCh38, 1-based): chrX:145,824,376-145,824,377, CC duplicated. VCF-style (leftmost placement, unchanged base first): chrX-145824375-G-GCC. GRCh37 (hg19) VCF-style: chrX-144905893-G-GCC.
Other names: c.1951_1952dup, p.Ser652fs (NM_001144003.3, NM_001144004.3, NM_001144005.3 and 4 more transcripts); short protein forms S652fs.
Identifiers: ClinVar variation 4532160 (VCV004532160.1).

ClinVar aggregate classification (germline): Uncertain significance (1 of 4 stars; one submission).

Conditions:
Intellectual developmental disorder, X-linked 111 (XLID111). Identifiers: MedGen C5829568, MONDO:0957203, OMIM 301107.

Submission:

Victorian Clinical Genetics Services, Murdoch Childrens Research Institute
Classification: Uncertain significance for Intellectual developmental disorder, X-linked 111. Last evaluated: 2024-12-11. Review status: criteria provided, single submitter. Criteria: ACMG Guidelines, 2015. Collection method: clinical testing. Allele origin: germline. Affected: yes.
Comment: This variant is classified as VUS-3B. Evidence in support of pathogenic classification: Variant is predicted to result in a truncated protein (premature termination codon is NOT located at least 54 nucleotides upstream of the final exon-exon junction) with less than 1/3 of the protein sequence affected; Variant is present in gnomAD <0.01 (v4: 1 heterozygote, 0 homozygotes, 0 hemizygotes). Additional information: This variant is hemizygous; This gene is associated with X-linked disease; This variant has no previous evidence of pathogenicity; No published segregation evidence has been identified for this variant; No published functional evidence has been identified for this variant; Another truncating variant comparable to the one identified in this case, p.(Glu829*), has inconclusive previous evidence for pathogenicity in ClinVar; Variant does not affect an established domain, motif, hotspot or informative constraint region; Loss of function is suggested as the mechanism of disease in this gene and is associated with intellectual developmental disorder, X-linked 111 (PMIDs: 35840571; 38283150).

Literature cited by the submitters: PubMed 35840571.